The following is an entry in ClinVar:

ClinVar aggregate classification (germline): Pathogenic. Review status: criteria provided, multiple submitters, no conflicts (2 of 4 stars). 2 submissions from 2 submitters: Pathogenic (2). Last evaluated 2024-05-14.

Conditions:
VPS13A-related neurodegenerative disease. Also called: Choreoacanthocytosis; Chorea-acanthocytosis; Choreaacanthocytosis; VPS13A Disease; ACANTHOCYTOSIS WITH NEUROLOGIC DISORDER; LEVINE-CRITCHLEY SYNDROME. Identifiers: Orphanet 2388, MedGen C0393576, MONDO:0008695, OMIM 200150.

Submissions (2):

Myriad Genetics, Inc.
Classification: Pathogenic for VPS13A-related neurodegenerative disease. Last evaluated: 2024-05-14. Review status: criteria provided, single submitter. Criteria: Myriad Autosomal Dominant, Autosomal Recessive and X-Linked Classification Criteria (2023). Collection method: clinical testing. Allele origin: unknown.
Comment: NM_033305.2(VPS13A):c.49dupG(D17Gfs*28) is expected to be pathogenic in the context of VPS13A disease. This variant is predicted to lead to an abnormal or absent protein product due to the creation of a premature termination codon in VPS13A, a gene where loss-of-function variants are known to be pathogenic. Please note: this variant was assessed in the context of healthy population screening.

Labcorp Genetics (formerly Invitae), Labcorp
Classification: Pathogenic. Last evaluated: 2021-03-16. Review status: criteria provided, single submitter. Criteria: Invitae Variant Classification Sherloc (09022015). Collection method: clinical testing. Allele origin: germline.
Comment: This sequence change creates a premature translational stop signal (p.Asp17Glyfs*28) in the VPS13A gene. It is expected to result in an absent or disrupted protein product. Loss-of-function variants in VPS13A are known to be pathogenic (PMID: 12404112, 21598378). This variant is not present in population databases (ExAC no frequency). This variant has not been reported in the literature in individuals with VPS13A-related conditions. For these reasons, this variant has been classified as Pathogenic.

Literature cited by the submitters: PubMed 12404112 (cited by Labcorp Genetics (formerly Invitae), Labcorp); PubMed 21598378 (cited by Labcorp Genetics (formerly Invitae), Labcorp).

NM_033305.3(VPS13A):c.49dup (p.Asp17fs)

Genes: VPS13A (vacuolar protein sorting 13 homolog A; plus strand), VPS13A-AS1 (VPS13A antisense RNA 1; minus strand). Cytogenetic location: 9q21.2.
Variant type: Duplication.
Coding change: c.49dup on transcript NM_033305.3 (MANE Select); coding-DNA position 49, one base duplicated (G; older notation c.49dupG).
Protein change: p.Asp17fs; shifts the reading frame from aspartic acid 17.
Molecular consequence: frameshift variant. On other transcripts: non-coding transcript variant (1).
Genome position (GRCh38, 1-based): chr9:77,177,753, G duplicated; the last of 5 consecutive G bases (chr9:77,177,749-77,177,753); duplicating any one gives the same sequence. VCF-style (leftmost placement, unchanged base first): chr9-77177748-T-TG. GRCh37 (hg19) VCF-style: chr9-79792664-T-TG.
Other names: c.49dup, p.Asp17fs (NM_001018037.2, NM_001018038.3, NM_015186.4); short protein forms D17fs.
Identifiers: ClinVar variation 1363347 (VCV001363347.7), dbSNP rs2131030113, ClinGen allele CA2573144669.
Genomic context (GRCh38, chr9:77,177,748, plus strand): 5'-CACCACGGCTGAGGAACATGGTTTTCGAGTCGGTGGTCGTGGACGTGTTGAACCGGTTCT[T>TG]GGGGGACTATGTGGTGGACTTGGACACGTCCCAGCTCTCTCTGGGCATCTGGAAAGGTAA-3'